The following is an entry in ClinVar:

ClinVar aggregate classification (germline): Uncertain significance. Review status: criteria provided, single submitter (1 of 4 stars). 2 submissions from 2 submitters: Uncertain significance (1). 1 of the submissions does not count toward it. Last evaluated 2021-06-20.

Conditions:
XDH-related disorder. Also called: XDH-related condition.
Xanthinuria type II. Also called: Xanthine dehydrogenase and aldehyde oxidase combined deficiency of; XDH and AOX dual deficiency. Identifiers: Orphanet 3467, Orphanet 93602, MedGen C1863688, MONDO:0011346, OMIM 603592.

Allele frequency attached by ClinVar (database versions not stated): gnomAD exomes 0.00003 and 0.00016; ExAC 0.00012; ESP Exome Variant Server 0.00015; gnomAD 0.00016 and 0.00018; TOPMed 0.00022; 1000 Genomes Project 0.00040; 1000 Genomes Project 30x 0.00047.

Submissions (2):

Labcorp Genetics (formerly Invitae), Labcorp
Classification: Uncertain significance for Xanthinuria type II. Last evaluated: 2021-06-20. Review status: criteria provided, single submitter. Criteria: Invitae Variant Classification Sherloc (09022015). Collection method: clinical testing. Allele origin: germline.
Comment: This variant is present in population databases (rs61731080, ExAC 0.06%). This sequence change affects codon 534 of the XDH mRNA. It is a 'silent' change, meaning that it does not change the encoded amino acid sequence of the XDH protein. It affects a nucleotide within the consensus splice site of the intron. This variant has not been reported in the literature in individuals with XDH-related conditions. Algorithms developed to predict the effect of sequence changes on RNA splicing suggest that this variant may disrupt the consensus splice site, but this prediction has not been confirmed by published transcriptional studies. In summary, the available evidence is currently insufficient to determine the role of this variant in disease. Therefore, it has been classified as a Variant of Uncertain Significance.

PreventionGenetics, part of Exact Sciences
Classification: Likely benign for XDH-related condition. Last evaluated: 2019-06-06. Review status: no assertion criteria provided. Collection method: clinical testing. Allele origin: germline. Not counted in ClinVar's aggregate classification.
Comment: This variant is classified as likely benign based on ACMG/AMP sequence variant interpretation guidelines (Richards et al. 2015 PMID: 25741868, with internal and published modifications).

NM_000379.4(XDH):c.1602C>T (p.Asp534=)

Gene: XDH (xanthine dehydrogenase; minus strand). Cytogenetic location: 2p23.1.
Variant type: single nucleotide variant.
Coding change: c.1602C>T on transcript NM_000379.4 (MANE Select); coding-DNA position 1602, C replaced by T.
Protein change: p.Asp534=; no amino-acid change (aspartic acid 534 retained).
Molecular consequence: synonymous variant.
Genome position (GRCh38, 1-based): chr2:31,375,380, G>A on the plus strand (C>T on the coding strand, the complement: XDH is on the minus strand). VCF-style: chr2-31375380-G-A. GRCh37 (hg19) VCF-style: chr2-31598246-G-A.
Other names: c.1602C>T (NM_000379.3).
Identifiers: ClinVar variation 1414261 (VCV001414261.8), dbSNP rs61731080, ClinGen allele CA1599186.